The following is an entry in ClinVar:

NM_001113378.2(FANCI):c.61del (p.Leu21fs)

Gene: FANCI (FA complementation group I; plus strand). Cytogenetic location: 15q26.1.
Variant type: Deletion.
Coding change: c.61del on transcript NM_001113378.2 (MANE Select); coding-DNA position 61, one base deleted (C; older notation c.61delC).
Protein change: p.Leu21fs; shifts the reading frame from leucine 21.
Molecular consequence: frameshift variant. On other transcripts: 5 prime UTR variant (1).
Genome position (GRCh38, 1-based): chr15:89,247,708, C deleted. VCF-style (leftmost placement, unchanged base first): chr15-89247707-TC-T. GRCh37 (hg19) VCF-style: chr15-89790938-TC-T.
Other names: c.-214del (NM_001376910.1); c.61del, p.Leu21fs (NM_001376911.1, NM_018193.3); short protein forms L21fs.
Identifiers: ClinVar variation 3677899 (VCV003677899.2).

ClinVar aggregate classification (germline): Pathogenic (1 of 4 stars; one submission).

Conditions:
Fanconi anemia (FA). Also called: Fanconi's anemia. Identifiers: Orphanet 84, MedGen C0015625, MeSH D005199, MONDO:0019391.

Submission:

Labcorp Genetics (formerly Invitae), Labcorp
Classification: Pathogenic for Fanconi anemia. Last evaluated: 2024-08-11. Review status: criteria provided, single submitter. Criteria: Invitae Variant Classification Sherloc (09022015). Collection method: clinical testing. Allele origin: germline.
Comment: This sequence change creates a premature translational stop signal (p.Leu21Phefs*4) in the FANCI gene. It is expected to result in an absent or disrupted protein product. Loss-of-function variants in FANCI are known to be pathogenic (PMID: 17452773, 17460694). This variant is not present in population databases (gnomAD no frequency). This variant has not been reported in the literature in individuals affected with FANCI-related conditions. For these reasons, this variant has been classified as Pathogenic.

Literature cited by the submitters: PubMed 17452773; PubMed 17460694.